The following is an entry in ClinVar:

ClinVar aggregate classification (germline): Conflicting classifications of pathogenicity. Review status: criteria provided, conflicting classifications (1 of 4 stars). 4 submissions from 4 submitters: Uncertain significance (3); Likely benign (1). Last evaluated 2025-11-25.

Conditions:
Familial adenomatous polyposis 3. Also called: NTHL1-associated polyposis; NTHL1 Tumor Syndrome; NTHL1-related attenuated familial adenomatous polyposis; NTHL1-Related Adenomatous Polyposis and Colorectal Cancer. Identifiers: Orphanet 220460, Orphanet 454840, MedGen C4225157, MONDO:0014630, OMIM 616415.
Hereditary cancer-predisposing syndrome. Also called: Hereditary Cancer Syndrome; Hereditary neoplastic syndrome; Tumor predisposition; Neoplastic Syndromes, Hereditary. Identifiers: Orphanet 140162, MedGen C0027672, MeSH D009386, MONDO:0015356.

Allele frequency attached by ClinVar (database versions not stated): gnomAD exomes 0.00006 and 0.00010; gnomAD 0.00002 and below 0.00001; TOPMed 0.00001; 1000 Genomes Project 0.00020; ExAC 0.00021; 1000 Genomes Project 30x 0.00031.
gnomAD v4.1: 83 of 1,600,572 alleles (0.0052%); highest among the groups gnomAD compares: South Asian, 0.089%; no homozygotes.

Submissions (4):

Labcorp Genetics (formerly Invitae), Labcorp
Classification: Uncertain significance. Last evaluated: 2025-11-25. Review status: criteria provided, single submitter. Criteria: Invitae Variant Classification Sherloc (09022015). Collection method: clinical testing. Allele origin: germline.
Comment: This sequence change replaces valine, which is neutral and non-polar, with leucine, which is neutral and non-polar, at codon 127 of the NTHL1 protein (p.Val127Leu). This variant is present in population databases (rs536140679, gnomAD 0.08%). This variant has not been reported in the literature in individuals affected with NTHL1-related conditions. ClinVar contains an entry for this variant (Variation ID: 641091). An algorithm developed to predict the effect of missense changes on protein structure and function (PolyPhen-2) suggests that this variant is likely to be tolerated. RNA analysis performed to evaluate the impact of this missense change on mRNA splicing indicates it does not significantly alter splicing (internal data). In summary, the available evidence is currently insufficient to determine the role of this variant in disease. Therefore, it has been classified as a Variant of Uncertain Significance.

Baylor Genetics
Classification: Uncertain significance for Familial adenomatous polyposis 3. Last evaluated: 2024-01-22. Review status: criteria provided, single submitter. Criteria: ACMG Guidelines, 2015. Collection method: clinical testing. Allele origin: unknown.

GeneDx
Classification: Uncertain significance. Last evaluated: 2023-08-01. Review status: criteria provided, single submitter. Criteria: GeneDx Variant Classification Process June 2021. Collection method: clinical testing. Allele origin: germline.
Comment: In silico analysis supports that this missense variant has a deleterious effect on protein structure/function; Has not been previously published as pathogenic or benign to our knowledge

Ambry Genetics
Classification: Likely benign for Hereditary cancer-predisposing syndrome. Last evaluated: 2022-10-17. Review status: criteria provided, single submitter. Criteria: Ambry Variant Classification Scheme 2023. Collection method: clinical testing. Allele origin: germline.

NM_002528.7(NTHL1):c.355G>T (p.Val119Leu)

Gene: NTHL1 (nth like DNA glycosylase 1; minus strand). Cytogenetic location: 16p13.3.
Variant type: single nucleotide variant.
Coding change: c.355G>T on transcript NM_002528.7 (MANE Select); coding-DNA position 355, G replaced by T.
Protein change: p.Val119Leu; replaces valine 119 with leucine.
Molecular consequence: missense variant. On other transcripts: intron variant (1).
Genome position (GRCh38, 1-based): chr16:2,044,800, C>A on the plus strand (G>T on the coding strand, the complement: NTHL1 is on the minus strand). VCF-style: chr16-2044800-C-A. GRCh37 (hg19) VCF-style: chr16-2094801-C-A.
Other names: c.355G>T, p.Val119Leu (LRG_1366t1); c.25G>T, p.Val9Leu (NM_001318194.2); c.355-1074G>T (NM_001318193.2); short protein forms V119L, V9L.
Identifiers: ClinVar variation 641091 (VCV000641091.13), dbSNP rs536140679, ClinGen allele CA7828281.